The following is an entry in ClinVar:

NM_001440.4(EXTL3):c.1943A>G (p.Lys648Arg)

Gene: EXTL3 (exostosin like glycosyltransferase 3; plus strand). Cytogenetic location: 8p21.1.
Variant type: single nucleotide variant.
Coding change: c.1943A>G on transcript NM_001440.4 (MANE Select); coding-DNA position 1943, A replaced by G.
Protein change: p.Lys648Arg; replaces lysine 648 with arginine.
Molecular consequence: missense variant.
Genome position (GRCh38, 1-based): chr8:28,718,002, A>G. VCF-style: chr8-28718002-A-G. GRCh37 (hg19) VCF-style: chr8-28575519-A-G.
Other names: short protein forms K648R.
Identifiers: ClinVar variation 1947741 (VCV001947741.5), dbSNP rs368676648, ClinGen allele CA4696313.

ClinVar aggregate classification (germline): Uncertain significance (1 of 4 stars; one submission).

Allele frequency attached by ClinVar (database versions not stated): ExAC 0.00001; TOPMed 0.00004; gnomAD 0.00005; ESP Exome Variant Server 0.00008; gnomAD exomes below 0.00001.
gnomAD v4.1: 8 of 1,613,936 alleles (0.0005%); highest among the groups gnomAD compares: African/African-American, 0.008%; no homozygotes.

Submission:

Labcorp Genetics (formerly Invitae), Labcorp
Classification: Uncertain significance. Last evaluated: 2022-08-31. Review status: criteria provided, single submitter. Criteria: Invitae Variant Classification Sherloc (09022015). Collection method: clinical testing. Allele origin: germline.
Comment: Algorithms developed to predict the effect of sequence changes on RNA splicing suggest that this variant may create or strengthen a splice site. In summary, the available evidence is currently insufficient to determine the role of this variant in disease. Therefore, it has been classified as a Variant of Uncertain Significance. Algorithms developed to predict the effect of missense changes on protein structure and function (SIFT, PolyPhen-2, Align-GVGD) all suggest that this variant is likely to be tolerated. This variant has not been reported in the literature in individuals affected with EXTL3-related conditions. This variant is present in population databases (rs368676648, gnomAD 0.008%). This sequence change replaces lysine, which is basic and polar, with arginine, which is basic and polar, at codon 648 of the EXTL3 protein (p.Lys648Arg).